The following is an entry in ClinVar:

NM_002427.4(MMP13):c.652C>G (p.Leu218Val)

Gene: MMP13 (matrix metallopeptidase 13; minus strand). Cytogenetic location: 11q22.2.
Variant type: single nucleotide variant.
Coding change: c.652C>G on transcript NM_002427.4 (MANE Select); coding-DNA position 652, C replaced by G.
Protein change: p.Leu218Val; replaces leucine 218 with valine.
Molecular consequence: missense variant.
Genome position (GRCh38, 1-based): chr11:102,952,159, G>C on the plus strand (C>G on the coding strand, the complement: MMP13 is on the minus strand). VCF-style: chr11-102952159-G-C. GRCh37 (hg19) VCF-style: chr11-102822888-G-C.
Other names: short protein forms L218V.
Identifiers: ClinVar variation 1492249 (VCV001492249.7), dbSNP rs782177947, ClinGen allele CA6251925.
Genomic context (GRCh38, chr11:102,952,159, plus strand): 5'-CTCCAGGGTCCTTGGAGTGGTCAAGACCTAAGGAGTGGCCGAACTCATGCGCAGCAACAA[G>C]AAACAAGTTGTAGCCTGTAAGAAAACAAAGAAACAATGAGAAAAAAAGGAATTCCAGTGA-3'
Protein context (NP_002418.1, residues 208-228): TSSSKGYNLF[Leu218Val]VAAHEFGHSL

ClinVar aggregate classification (germline): Uncertain significance. Review status: criteria provided, multiple submitters, no conflicts (2 of 4 stars). 2 submissions from 2 submitters: Uncertain significance (2). Last evaluated 2023-12-18.

Conditions:
Spondyloepimetaphyseal dysplasia, Missouri type. Identifiers: Orphanet 1040, Orphanet 93356, MedGen C1865832, MONDO:0011198, OMIM 602111.

Allele frequency attached by ClinVar (database versions not stated): gnomAD exomes 0.00002 and 0.00006; ExAC 0.00010.

Submissions (2):

Labcorp Genetics (formerly Invitae), Labcorp
Classification: Uncertain significance. Last evaluated: 2023-12-18. Review status: criteria provided, single submitter. Criteria: Invitae Variant Classification Sherloc (09022015). Collection method: clinical testing. Allele origin: germline.
Comment: This sequence change replaces leucine, which is neutral and non-polar, with valine, which is neutral and non-polar, at codon 218 of the MMP13 protein (p.Leu218Val). This variant is present in population databases (rs782177947, gnomAD 0.05%). This variant has not been reported in the literature in individuals affected with MMP13-related conditions. ClinVar contains an entry for this variant (Variation ID: 1492249). Advanced modeling of protein sequence and biophysical properties (such as structural, functional, and spatial information, amino acid conservation, physicochemical variation, residue mobility, and thermodynamic stability) performed at Invitae indicates that this missense variant is not expected to disrupt MMP13 protein function with a negative predictive value of 80%. In summary, the available evidence is currently insufficient to determine the role of this variant in disease. Therefore, it has been classified as a Variant of Uncertain Significance.

Neuberg Centre For Genomic Medicine, NCGM
Classification: Uncertain significance for Spondyloepimetaphyseal dysplasia, Missouri type. Review status: criteria provided, single submitter. Criteria: ACMG Guidelines, 2015. Collection method: clinical testing. Allele origin: germline. Inheritance: Autosomal dominant inheritance. Affected: yes.
Comment: The missense variant in c.652C>G (p.Leu218Val) in MMP13 gene has not been reported previously as a pathogenic variant nor as a benign variant, to our knowledge. The p.Leu218Val variant is reported with the allele frequency of 0.005584% in gnomAD Exome and is novel (not in any individuals) in 1000 Genomes. The amino acid Leu at position 218 is changed to a Val changing protein sequence and it might alter its composition and physico-chemical properties. The amino acid change p.Leu218Val in MMP13 is predicted as conserved by GERP++ and PhyloP across 100 vertebrates. For these reasons, this variant has been classified as uncertain significance.